The following is an entry in ClinVar:

ClinVar aggregate classification (germline): Benign/Likely benign. Review status: criteria provided, multiple submitters, no conflicts (2 of 4 stars). 6 submissions from 6 submitters: Benign (1); Likely benign (5). Last evaluated 2025-11-17.

Conditions:
Hypertrophic cardiomyopathy. Also called: HYPERTROPHIC MYOCARDIOPATHY. Identifiers: Orphanet 217569, MedGen C0007194, MeSH D002312, MONDO:0005045, HP:0001639.
Cardiomyopathy (CMYO). Also called: Cardiomyopathies. Identifiers: Orphanet 167848, MedGen C0878544, MONDO:0004994, HP:0001638. Inheritance: Various modes of inheritance.
Cardiovascular phenotype. Identifiers: MedGen CN230736.

Allele frequency attached by ClinVar (database versions not stated): gnomAD 0.00005; gnomAD exomes 0.00005; TOPMed 0.00005; ExAC 0.00007; ESP Exome Variant Server 0.00008.
gnomAD v4.1: 82 of 1,612,360 alleles (0.0051%); highest among the groups gnomAD compares: Middle Eastern, 0.065%; no homozygotes.

Submissions (6):

Labcorp Genetics (formerly Invitae), Labcorp
Classification: Likely benign for Hypertrophic cardiomyopathy. Last evaluated: 2025-11-17. Review status: criteria provided, single submitter. Criteria: Invitae Variant Classification Sherloc (09022015). Collection method: clinical testing. Allele origin: germline.

CeGaT Center for Human Genetics Tuebingen
Classification: Likely benign. Last evaluated: 2025-06-01. Review status: criteria provided, single submitter. Criteria: CeGaT Center For Human Genetics Tuebingen Variant Classification Criteria Version 2. Collection method: clinical testing. Allele origin: germline. Affected: yes. Observed: 1 variant allele.
Comment: MYH7: BP4

Blueprint Genetics
Classification: Likely benign. Last evaluated: 2023-08-10. Review status: criteria provided, single submitter. Criteria: ACMG Guidelines, 2015. Collection method: clinical testing. Allele origin: germline.

Ambry Genetics
Classification: Likely benign for Cardiovascular phenotype. Last evaluated: 2021-01-06. Review status: criteria provided, single submitter. Criteria: Ambry Variant Classification Scheme 2023. Collection method: clinical testing. Allele origin: germline.

Color Diagnostics, LLC DBA Color Health
Classification: Likely benign for Cardiomyopathy. Last evaluated: 2019-06-13. Review status: criteria provided, single submitter. Criteria: ACMG Guidelines, 2015. Collection method: clinical testing. Allele origin: germline.

GeneDx
Classification: Benign. Last evaluated: 2015-09-29. Review status: criteria provided, single submitter. Criteria: GeneDx Variant Classification (06012015). Collection method: clinical testing. Allele origin: germline. Affected: yes.
Comment: This variant is considered likely benign or benign based on one or more of the following criteria: it is a conservative change, it occurs at a poorly conserved position in the protein, it is predicted to be benign by multiple in silico algorithms, and/or has population frequency not consistent with disease.

NM_000257.4(MYH7):c.4290G>T (p.Val1430=)

Genes: MHRT (myosin heavy chain associated RNA transcript; plus strand), MYH7 (myosin heavy chain 7; minus strand). Cytogenetic location: 14q11.2.
Variant type: single nucleotide variant.
Coding change: c.4290G>T on transcript NM_000257.4 (MANE Select); coding-DNA position 4290, G replaced by T.
Protein change: p.Val1430=; no amino-acid change (valine 1430 retained).
Molecular consequence: synonymous variant. On other transcripts: non-coding transcript variant (1).
Genome position (GRCh38, 1-based): chr14:23,417,566, C>A on the plus strand (G>T on the coding strand, the complement: MYH7 is on the minus strand). VCF-style: chr14-23417566-C-A. GRCh37 (hg19) VCF-style: chr14-23886775-C-A.
Other names: c.4290G>T (LRG_384t1).
Identifiers: ClinVar variation 378213 (VCV000378213.24), dbSNP rs372476972, ClinGen allele CA041527.